The following is an entry in ClinVar:

NM_145199.3(LIPT1):c.784A>G (p.Lys262Glu)

Genes: LIPT1 (lipoyltransferase 1; plus strand), MITD1 (microtubule interacting and trafficking domain containing 1; minus strand). Cytogenetic location: 2q11.2.
Variant type: single nucleotide variant.
Coding change: c.784A>G on transcript NM_145199.3 (MANE Select); coding-DNA position 784, A replaced by G.
Protein change: p.Lys262Glu; replaces lysine 262 with glutamic acid.
Molecular consequence: missense variant. On other transcripts: non-coding transcript variant (2).
Genome position (GRCh38, 1-based): chr2:99,162,741, A>G. VCF-style: chr2-99162741-A-G. GRCh37 (hg19) VCF-style: chr2-99779204-A-G.
Other names: c.784A>G, p.Lys262Glu (NM_001204830.2, NM_015929.4, NM_145197.3 and 1 more transcripts); short protein forms K262E.
Identifiers: ClinVar variation 1440056 (VCV001440056.3), dbSNP rs751950506, ClinGen allele CA1797379.

ClinVar aggregate classification (germline): Uncertain significance (1 of 4 stars; one submission).

Allele frequency attached by ClinVar (database versions not stated): gnomAD exomes 0.00002; gnomAD 0.00005 and 0.00004; TOPMed 0.00002; ExAC 0.00003.
gnomAD v4.1: 46 of 1,614,208 alleles (0.0028%); highest among the groups gnomAD compares: East Asian, 0.0067%; 1 homozygote.

Submission:

Labcorp Genetics (formerly Invitae), Labcorp
Classification: Uncertain significance. Last evaluated: 2021-10-22. Review status: criteria provided, single submitter. Criteria: Invitae Variant Classification Sherloc (09022015). Collection method: clinical testing. Allele origin: germline.
Comment: This sequence change replaces lysine with glutamic acid at codon 262 of the LIPT1 protein (p.Lys262Glu). The lysine residue is moderately conserved and there is a small physicochemical difference between lysine and glutamic acid. This variant is present in population databases (rs751950506, ExAC 0.03%). This variant has not been reported in the literature in individuals affected with LIPT1-related conditions. Algorithms developed to predict the effect of missense changes on protein structure and function (SIFT, PolyPhen-2, Align-GVGD) all suggest that this variant is likely to be tolerated. In summary, the available evidence is currently insufficient to determine the role of this variant in disease. Therefore, it has been classified as a Variant of Uncertain Significance.